The following is an entry in ClinVar:

NM_006662.3(SRCAP):c.1116G>T (p.Glu372Asp)

Gene: SRCAP (Snf2 related CREBBP activator protein; plus strand). Cytogenetic location: 16p11.2.
Variant type: single nucleotide variant.
Coding change: c.1116G>T on transcript NM_006662.3 (MANE Select); coding-DNA position 1116, G replaced by T.
Protein change: p.Glu372Asp; replaces glutamic acid 372 with aspartic acid.
Molecular consequence: missense variant.
Genome position (GRCh38, 1-based): chr16:30,710,110, G>T. VCF-style: chr16-30710110-G-T. GRCh37 (hg19) VCF-style: chr16-30721431-G-T.
Other names: short protein forms E372D.
Identifiers: ClinVar variation 2192758 (VCV002192758.5), dbSNP rs201361291, ClinGen allele CA8010823.

ClinVar aggregate classification (germline): Uncertain significance. Review status: criteria provided, multiple submitters, no conflicts (2 of 4 stars). 2 submissions from 2 submitters: Uncertain significance (2). Last evaluated 2025-07-09.

Conditions:
Developmental delay, hypotonia, musculoskeletal defects, and behavioral abnormalities. Identifiers: MedGen C5562012, MONDO:0859202, OMIM 619595.
Floating-Harbor syndrome (FLHS). Also called: Short stature with delayed bone age, expressive language delay, a triangular face with a prominent nose and deep-set eyes; Pelletier-Leisti syndrome; SRCAP-Related Floating-Harbor Syndrome. Identifiers: Orphanet 2044, MedGen C0729582, MONDO:0007621, OMIM 136140.

Allele frequency attached by ClinVar (database versions not stated): gnomAD 0.00001; ESP Exome Variant Server 0.00015.
gnomAD v4.1: 83 of 1,613,736 alleles (0.0051%); highest among the groups gnomAD compares: Non-Finnish European, 0.0065%; no homozygotes.

Submissions (2):

Labcorp Genetics (formerly Invitae), Labcorp
Classification: Uncertain significance. Last evaluated: 2025-07-09. Review status: criteria provided, single submitter. Criteria: Invitae Variant Classification Sherloc (09022015). Collection method: clinical testing. Allele origin: germline.
Comment: This sequence change replaces glutamic acid, which is acidic and polar, with aspartic acid, which is acidic and polar, at codon 372 of the SRCAP protein (p.Glu372Asp). This variant is present in population databases (rs201361291, gnomAD 0.002%). This variant has not been reported in the literature in individuals affected with SRCAP-related conditions. ClinVar contains an entry for this variant (Variation ID: 2192758). Invitae Evidence Modeling of protein sequence and biophysical properties (such as structural, functional, and spatial information, amino acid conservation, physicochemical variation, residue mobility, and thermodynamic stability) indicates that this missense variant is not expected to disrupt SRCAP protein function with a negative predictive value of 80%. In summary, the available evidence is currently insufficient to determine the role of this variant in disease. Therefore, it has been classified as a Variant of Uncertain Significance.

Fulgent Genetics
Classification: Uncertain significance for Floating-Harbor syndrome; Developmental delay, hypotonia, musculoskeletal defects, and behavioral abnormalities. Last evaluated: 2024-04-26. Review status: criteria provided, single submitter. Criteria: ACMG Guidelines, 2015. Collection method: clinical testing. Allele origin: germline.